The following is an entry in ClinVar:

ClinVar aggregate classification (germline): Uncertain significance. Review status: criteria provided, multiple submitters, no conflicts (2 of 4 stars). 2 submissions from 2 submitters: Uncertain significance (2). Last evaluated 2026-05-14.

Conditions:
Inborn genetic diseases. Identifiers: MedGen C0950123, MeSH D030342.

Submissions (2):

Greenwood Genetic Center Diagnostic Laboratories, Greenwood Genetic Center
Classification: Uncertain significance. Last evaluated: 2026-05-14. Review status: criteria provided, single submitter. Criteria: ACMG Guidelines, 2015. Collection method: clinical testing. Allele origin: germline.
Comment: PM2, PP2, PP3

Ambry Genetics
Classification: Uncertain significance for Inborn genetic diseases. Last evaluated: 2023-04-26. Review status: criteria provided, single submitter. Criteria: Ambry Variant Classification Scheme 2023. Collection method: clinical testing. Allele origin: germline.

NM_001130438.3(SPTAN1):c.7053G>T (p.Gln2351His)

Gene: SPTAN1 (spectrin alpha, non-erythrocytic 1; plus strand). Cytogenetic location: 9q34.11.
Variant type: single nucleotide variant.
Coding change: c.7053G>T on transcript NM_001130438.3 (MANE Select); coding-DNA position 7053, G replaced by T.
Protein change: p.Gln2351His; replaces glutamine 2351 with histidine.
Molecular consequence: missense variant.
Genome position (GRCh38, 1-based): chr9:128,632,611, G>T. VCF-style: chr9-128632611-G-T. GRCh37 (hg19) VCF-style: chr9-131394890-G-T.
Other names: c.6978G>T, p.Gln2326His (NM_001195532.2); c.7116G>T, p.Gln2372His (NM_001363759.2); c.6993G>T, p.Gln2331His (NM_001363765.2, NM_001375314.2); c.7140G>T, p.Gln2380His (NM_001375310.1); c.7053G>T, p.Gln2351His (NM_001375311.2); c.7089G>T, p.Gln2363His (NM_001375312.2); c.7035G>T, p.Gln2345His (NM_001375313.1); c.7152G>T, p.Gln2384His (NM_001375318.1); and 1 more; short protein forms Q2326H, Q2351H, Q2372H, Q2331H, Q2363H, Q2380H, Q2346H, Q2384H.
Identifiers: ClinVar variation 2541294 (VCV002541294.3), dbSNP rs780213263, ClinGen allele CA375100429.